The following is an entry in ClinVar:

ClinVar aggregate classification (germline): Uncertain significance (1 of 4 stars; one submission).

Submission:

GeneDx
Classification: Uncertain significance. Last evaluated: 2022-11-02. Review status: criteria provided, single submitter. Criteria: GeneDx Variant Classification Process June 2021. Collection method: clinical testing. Allele origin: germline. Affected: yes.
Comment: Not observed at significant frequency in large population cohorts (gnomAD); In silico analysis supports that this missense variant has a deleterious effect on protein structure/function; Has not been previously published as pathogenic or benign to our knowledge

NM_002816.5(PSMD12):c.941T>C (p.Leu314Ser)

Gene: PSMD12 (proteasome 26S subunit, non-ATPase 12; minus strand). Cytogenetic location: 17q24.2.
Variant type: single nucleotide variant.
Coding change: c.941T>C on transcript NM_002816.5 (MANE Select); coding-DNA position 941, T replaced by C.
Protein change: p.Leu314Ser; replaces leucine 314 with serine.
Molecular consequence: missense variant.
Genome position (GRCh38, 1-based): chr17:67,344,748, A>G on the plus strand (T>C on the coding strand, the complement: PSMD12 is on the minus strand). VCF-style: chr17-67344748-A-G. GRCh37 (hg19) VCF-style: chr17-65340864-A-G.
Other names: c.764T>C, p.Leu255Ser (NM_001316341.2); c.881T>C, p.Leu294Ser (NM_174871.4); short protein forms L255S, L294S, L314S.
Identifiers: ClinVar variation 2501400 (VCV002501400.1), dbSNP rs2509681733, ClinGen allele CA400804086.